The following is an entry in ClinVar:

NM_000057.4(BLM):c.670C>T (p.Gln224Ter)

Gene: BLM (BLM RecQ like helicase; plus strand). Cytogenetic location: 15q26.1.
Variant type: single nucleotide variant.
Coding change: c.670C>T on transcript NM_000057.4 (MANE Select); coding-DNA position 670, C replaced by T.
Protein change: p.Gln224Ter; replaces glutamine 224 with a stop codon.
Molecular consequence: nonsense. On other transcripts: 5 prime UTR variant (1).
Genome position (GRCh38, 1-based): chr15:90,749,938, C>T. VCF-style: chr15-90749938-C-T. GRCh37 (hg19) VCF-style: chr15-91293168-C-T.
Other names: c.670C>T, p.Gln224Ter (NM_001287246.2, NM_001287247.2); c.-622C>T (NM_001287248.2); c.670C>T (NM_000057.3); short protein forms Q224*.
Identifiers: ClinVar variation 826568 (VCV000826568.12), dbSNP rs918752814, ClinGen allele CA274728338.

ClinVar aggregate classification (germline): Pathogenic/Likely pathogenic. Review status: criteria provided, multiple submitters, no conflicts (2 of 4 stars). 6 submissions from 6 submitters: Pathogenic (4); Likely pathogenic (2). Last evaluated 2025-12-10.

Conditions:
Hereditary cancer-predisposing syndrome. Also called: Neoplastic Syndromes, Hereditary; Tumor predisposition; Hereditary neoplastic syndrome; Hereditary Cancer Syndrome. Identifiers: Orphanet 140162, MedGen C0027672, MeSH D009386, MONDO:0015356.
Bloom syndrome (BLM). Also called: Bloom-Torre-Machacek syndrome. Identifiers: Orphanet 125, MedGen C0005859, MONDO:0008876, OMIM 210900.

Allele frequency attached by ClinVar (database versions not stated): gnomAD exomes below 0.00001; gnomAD 0.00001 and 0.00002; TOPMed 0.00001.

Submissions (6):

Myriad Genetics, Inc.
Classification: Pathogenic for Bloom syndrome. Last evaluated: 2025-12-10. Review status: criteria provided, single submitter. Criteria: Myriad Autosomal Dominant, Autosomal Recessive and X-Linked Classification Criteria (2023). Collection method: clinical testing. Allele origin: unknown.
Comment: This variant is considered pathogenic. This variant creates a termination codon and is predicted to result in premature protein truncation.

Otogenetics
Classification: Pathogenic for Bloom syndrome. Last evaluated: 2025-09-12. Review status: criteria provided, single submitter. Criteria: ACMG Guidelines, 2015. Collection method: clinical testing. Allele origin: germline.
Comment: PVS1_Strong: Null variant introduces premature stop code in gene with loss of function as mechanism of disease, predicted to undergo NMD; PM2: Maximum gnomAD MAF of 0.0062% in African (AFR) subpopulation (<0.055% threshold); PP3: In-silico models predict deleterious affect (MutationTaster = 1, BayesDel = 0.66, DANN = 0.98)

Labcorp Genetics (formerly Invitae), Labcorp
Classification: Pathogenic for Bloom syndrome. Last evaluated: 2025-08-28. Review status: criteria provided, single submitter. Criteria: Invitae Variant Classification Sherloc (09022015). Collection method: clinical testing. Allele origin: germline.
Comment: This sequence change creates a premature translational stop signal (p.Gln224*) in the BLM gene. It is expected to result in an absent or disrupted protein product. Loss-of-function variants in BLM are known to be pathogenic (PMID: 17407155). This variant is present in population databases (no rsID available, gnomAD 0.007%). This variant has not been reported in the literature in individuals affected with BLM-related conditions. ClinVar contains an entry for this variant (Variation ID: 826568). For these reasons, this variant has been classified as Pathogenic.

Natera, Inc.
Classification: Likely pathogenic for Bloom syndrome. Last evaluated: 2024-08-12. Review status: criteria provided, single submitter. Criteria: Natera Variant Classification Schema (03/2026). Collection method: clinical testing. Allele origin: germline.
Comment: The c.670C>T variant in BLM is a nonsense variant predicted to introduce a stop codon at amino acid 224. This variant is expected to result in nonsense mediated decay, truncation, or a dysfunctional protein product. This variant is rare in the general population with a frequency below the threshold expected for the associated phenotype(s). Given the available evidence, this variant is classified as Likely Pathogenic.

Ambry Genetics
Classification: Pathogenic for Hereditary cancer-predisposing syndrome. Last evaluated: 2024-02-28. Review status: criteria provided, single submitter. Criteria: Ambry Variant Classification Scheme 2023. Collection method: clinical testing. Allele origin: germline.
Comment: The p.Q224* pathogenic mutation (also known as c.670C>T), located in coding exon 2 of the BLM gene, results from a C to T substitution at nucleotide position 670. This changes the amino acid from a glutamine to a stop codon within coding exon 2. This alteration is expected to result in loss of function by premature protein truncation or nonsense-mediated mRNA decay. As such, this alteration is interpreted as a disease-causing mutation.

Baylor Genetics
Classification: Likely pathogenic for Bloom syndrome. Last evaluated: 2024-02-12. Review status: criteria provided, single submitter. Criteria: ACMG Guidelines, 2015. Collection method: clinical testing. Allele origin: unknown.

Literature cited by the submitters: PubMed 17407155 (cited by Labcorp Genetics (formerly Invitae), Labcorp).